The following is an entry in ClinVar:

ClinVar aggregate classification (germline): Likely benign. Review status: criteria provided, multiple submitters, no conflicts (2 of 4 stars). 2 submissions from 2 submitters: Likely benign (2). Last evaluated 2018-06-16.

Allele frequency attached by ClinVar (database versions not stated): 1000 Genomes Project 0.00220; 1000 Genomes Project 30x 0.00265; gnomAD 0.00687 and 0.00677; gnomAD exomes 0.00939; TOPMed 0.00638.
gnomAD v4.1: 9,551 of 1,068,700 alleles (0.89%); highest among the groups gnomAD compares: Non-Finnish European, 1.2%; 58 homozygotes.

Submissions (2):

GeneDx
Classification: Likely benign. Last evaluated: 2018-06-16. Review status: criteria provided, single submitter. Criteria: GeneDx Variant Classification (06012015). Collection method: clinical testing. Allele origin: germline. Affected: yes.
Comment: This variant is considered likely benign or benign based on one or more of the following criteria: it is a conservative change, it occurs at a poorly conserved position in the protein, it is predicted to be benign by multiple in silico algorithms, and/or has population frequency not consistent with disease.

Breakthrough Genomics
Classification: Likely benign. Review status: criteria provided, single submitter. Criteria: ACMG Guidelines, 2015. Collection method: not provided. Allele origin: germline. Inheritance: Autosomal dominant inheritance. Affected: yes.

NM_017617.5(NOTCH1):c.404-117T>C

Gene: NOTCH1 (notch receptor 1; minus strand). Cytogenetic location: 9q34.3.
Variant type: single nucleotide variant.
Coding change: c.404-117T>C on transcript NM_017617.5 (MANE Select); 117 bases into the intron before coding-DNA position 404, T replaced by C.
Molecular consequence: intron variant.
Genome position (GRCh38, 1-based): chr9:136,523,305, A>G on the plus strand (T>C on the coding strand, the complement: NOTCH1 is on the minus strand). VCF-style: chr9-136523305-A-G. GRCh37 (hg19) VCF-style: chr9-139417757-A-G.
Identifiers: ClinVar variation 679654 (VCV000679654.2), dbSNP rs566631961, ClinGen allele CA201590205.
Genomic context (GRCh38, chr9:136,523,305, plus strand): 5'-CTTCCCTCCCTTCAGGCCACCTGGAGGTGCCAGCCTGGGCTCCACCTTAGGTGCTATCAC[A>G]TTTGATCCTCAGGACCTGCCGTGAGACCGGTCGCCTTTGGCAGATGAAGGACCACAGCTC-3'